The following is an entry in ClinVar:

NM_152419.3(HGSNAT):c.1272C>T (p.Gly424=)

Gene: HGSNAT (heparan-alpha-glucosaminide N-acetyltransferase; plus strand). Cytogenetic location: 8p11.21.
Variant type: single nucleotide variant.
Coding change: c.1272C>T on transcript NM_152419.3 (MANE Select); coding-DNA position 1272, C replaced by T.
Protein change: p.Gly424=; no amino-acid change (glycine 424 retained).
Molecular consequence: synonymous variant.
Genome position (GRCh38, 1-based): chr8:43,192,325, C>T. VCF-style: chr8-43192325-C-T. GRCh37 (hg19) VCF-style: chr8-43047468-C-T.
Other names: c.1272C>T, p.Gly424= (NM_001363227.2); c.1080C>T, p.Gly360= (NM_001363228.2); c.408C>T, p.Gly136= (NM_001363229.2).
Identifiers: ClinVar variation 363149 (VCV000363149.40), dbSNP rs147251143, ClinGen allele CA4736834.

ClinVar aggregate classification (germline): Benign/Likely benign. Review status: criteria provided, multiple submitters, no conflicts (2 of 4 stars). 6 submissions from 6 submitters: Benign (2); Likely benign (3). 1 of the submissions does not count toward it. Last evaluated 2026-01-26.

Conditions:
Mucopolysaccharidosis, MPS-III-C (MPS3C). Also called: mucopolysaccharidosis type 3C; SANFILIPPO SYNDROME C; MUCOPOLYSACCHARIDOSIS, TYPE IIIC; MPS IIIC (Sanfilippo Syndrome Type C); MPS III C; Mucopolysaccharidosis type IIIC (Sanfilippo C). Identifiers: Orphanet 581, Orphanet 79271, MedGen C0086649, MONDO:0009657, OMIM 252930.
Retinitis pigmentosa 73 (RP73). Identifiers: Orphanet 791, MedGen C4225287, MONDO:0014687, OMIM 616544.
Retinal dystrophy. Also called: Inherited retinal dystrophy. Identifiers: Orphanet 71862, MedGen C0854723, MeSH D058499, MONDO:0019118, HP:0000556.

Allele frequency attached by ClinVar (database versions not stated): ESP Exome Variant Server 0.00008; gnomAD 0.00019 and 0.00031; TOPMed 0.00038; gnomAD exomes 0.00040 and 0.00053; ExAC 0.00082; 1000 Genomes Project 30x 0.00109; 1000 Genomes Project 0.00120.
gnomAD v4.1: 616 of 1,609,344 alleles (0.038%); highest among the groups gnomAD compares: East Asian, 1.2%; 4 homozygotes.

Submissions (6):

Labcorp Genetics (formerly Invitae), Labcorp
Classification: Benign for Retinitis pigmentosa 73; Mucopolysaccharidosis, MPS-III-C. Last evaluated: 2026-01-26. Review status: criteria provided, single submitter. Criteria: Invitae Variant Classification Sherloc (09022015). Collection method: clinical testing. Allele origin: germline.

Blueprint Genetics
Classification: Likely benign. Last evaluated: 2024-03-18. Review status: criteria provided, single submitter. Criteria: ACMG Guidelines, 2015. Collection method: clinical testing. Allele origin: germline.

Dept Of Ophthalmology, Nagoya University
Classification: Benign for Retinal dystrophy. Last evaluated: 2023-10-01. Review status: criteria provided, single submitter. Criteria: Submitter's publication. Collection method: research. Allele origin: germline. Affected: yes.

CeGaT Center for Human Genetics Tuebingen
Classification: Likely benign. Last evaluated: 2022-06-01. Review status: criteria provided, single submitter. Criteria: CeGaT Center For Human Genetics Tuebingen Variant Classification Criteria Version 2. Collection method: clinical testing. Allele origin: germline. Affected: yes. Observed: 1 variant allele.
Comment: HGSNAT: BP4, BP7

Illumina Laboratory Services, Illumina
Classification: Likely benign for Mucopolysaccharidosis, MPS-III-C. Last evaluated: 2018-01-13. Review status: criteria provided, single submitter. Criteria: ICSL Variant Classification Criteria 13 December 2019. Collection method: clinical testing. Allele origin: germline.
Comment: This variant was observed in the ICSL laboratory as part of a predisposition screen in an ostensibly healthy population. It had not been previously curated by ICSL or reported in the Human Gene Mutation Database (HGMD: prior to June 1st, 2018), and was therefore a candidate for classification through an automated scoring system. Utilizing variant allele frequency, disease prevalence and penetrance estimates, and inheritance mode, an automated score was calculated to assess if this variant is too frequent to cause the disease. Based on the score and internal cut-off values, a variant classified as likely benign is not then subjected to further curation. The score for this variant resulted in a classification of likely benign for this disease.

Natera, Inc.
Classification: Uncertain significance for Mucopolysaccharidosis type IIIC. Last evaluated: 2019-10-28. Review status: no assertion criteria provided. Collection method: clinical testing. Allele origin: germline. Not counted in ClinVar's aggregate classification.